The following is an entry in ClinVar:

ClinVar aggregate classification (germline): Uncertain significance (1 of 4 stars; one submission).

Conditions:
Neuromuscular disease caused by qualitative or quantitative defects of dysferlin. Also called: Dysferlinopathy; Qualitative or quantitative defects of dysferlin. Identifiers: Orphanet 207073, MedGen C2931687, MONDO:0016145.

Submission:

Labcorp Genetics (formerly Invitae), Labcorp
Classification: Uncertain significance for Neuromuscular disease caused by qualitative or quantitative defects of dysferlin. Last evaluated: 2025-01-27. Review status: criteria provided, single submitter. Criteria: Invitae Variant Classification Sherloc (09022015). Collection method: clinical testing. Allele origin: germline.
Comment: This sequence change replaces glutamic acid, which is acidic and polar, with methionine, which is neutral and non-polar, at codon 1269 of the DYSF protein (p.Glu1269Met). Information on the frequency of this variant in the gnomAD database is not available, as this variant may be reported differently in the database. This variant has not been reported in the literature in individuals affected with DYSF-related conditions. ClinVar contains an entry for this variant (Variation ID: 1906710). An algorithm developed to predict the effect of missense changes on protein structure and function (PolyPhen-2) suggests that this variant is likely to be disruptive. In summary, the available evidence is currently insufficient to determine the role of this variant in disease. Therefore, it has been classified as a Variant of Uncertain Significance.

NM_001130987.2(DYSF):c.3859_3860delinsAT (p.Glu1287Met)

Gene: DYSF (dysferlin; plus strand). Cytogenetic location: 2p13.2.
Variant type: Indel.
Coding change: c.3859_3860delinsAT on transcript NM_001130987.2 (MANE Select); coding-DNA positions 3859 to 3860, GA replaced by AT.
Protein change: p.Glu1287Met; replaces glutamic acid 1287 with methionine.
Molecular consequence: missense variant.
Genome position (GRCh38, 1-based): chr2:71,600,804-71,600,805, GA replaced by AT. VCF-style: chr2-71600804-GA-AT. GRCh37 (hg19) VCF-style: chr2-71827934-GA-AT.
Other names: c.3808_3809delinsAT, p.Glu1270Met (NM_001130455.2, NM_001130983.2); c.3763_3764delinsAT, p.Glu1255Met (NM_001130976.2, NM_001130977.2); c.3805_3806delinsAT, p.Glu1269Met (NM_001130978.2, NM_003494.4); c.3898_3899delinsAT, p.Glu1300Met (NM_001130979.2); c.3856_3857delinsAT, p.Glu1286Met (NM_001130980.2, NM_001130981.2); c.3901_3902delinsAT, p.Glu1301Met (NM_001130982.2); c.3766_3767delinsAT, p.Glu1256Met (NM_001130984.2, NM_001130986.2); c.3859_3860delinsAT, p.Glu1287Met (NM_001130985.2); short protein forms E1256M, E1269M, E1287M, E1301M, E1255M, E1270M, E1300M, E1286M.
Identifiers: ClinVar variation 1906710 (VCV001906710.5), dbSNP rs2546061918, ClinGen allele CA2580067795.